The following is an entry in ClinVar:

ClinVar aggregate classification (germline): Pathogenic (1 of 4 stars; one submission).

Submission:

Labcorp Genetics (formerly Invitae), Labcorp
Classification: Pathogenic. Last evaluated: 2025-06-12. Review status: criteria provided, single submitter. Criteria: Invitae Variant Classification Sherloc (09022015). Collection method: clinical testing. Allele origin: germline.
Comment: This sequence change creates a premature translational stop signal (p.Ser50Profs*37) in the NDUFAF6 gene. It is expected to result in an absent or disrupted protein product. Loss-of-function variants in NDUFAF6 are known to be pathogenic (PMID: 28639102, 30642748). This variant is not present in population databases (gnomAD no frequency). This variant has not been reported in the literature in individuals affected with NDUFAF6-related conditions. ClinVar contains an entry for this variant (Variation ID: 1957237). For these reasons, this variant has been classified as Pathogenic.

Literature cited by the submitters: PubMed 28639102; PubMed 30642748.

NM_152416.4(NDUFAF6):c.147_159del (p.Ser50fs)

Genes: NDUFAF6 (NADH:ubiquinone oxidoreductase complex assembly factor 6; plus strand), LOC113788297 (Sharpr-MPRA regulatory region 2014; plus strand). Cytogenetic location: 8q22.1.
Variant type: Deletion.
Coding change: c.147_159del on transcript NM_152416.4 (MANE Select); coding-DNA positions 147 to 159, 13 bases deleted (CAGCGGACCGGGC).
Protein change: p.Ser50fs; shifts the reading frame from serine 50.
Molecular consequence: frameshift variant. On other transcripts: 5 prime UTR variant (12), non-coding transcript variant (6), intron variant (7).
Genome position (GRCh38, 1-based): chr8:95,025,155-95,025,167, CAGCGGACCGGGC deleted; deleting any 13 consecutive bases within chr8:95,025,152-95,025,167 gives the same sequence; the c. name uses the placement nearest the transcript's 3' end. VCF-style (leftmost placement, unchanged base first): chr8-95025151-CGGCCAGCGGACCG-C. GRCh37 (hg19) VCF-style: chr8-96037379-CGGCCAGCGGACCG-C.
Other names: c.-134_-122del (NM_001330582.2, NM_001354521.2); c.-87_-75del (NM_001354517.2); c.-306_-294del (NM_001354518.2); c.-302_-290del (NM_001354519.2); c.-651_-639del (NM_001354527.2); c.-622_-610del (NM_001354528.2); c.-434_-422del (NM_001354529.2); c.-536_-524del (NM_001354530.2); and 8 more; short protein forms S50fs.
Identifiers: ClinVar variation 1957237 (VCV001957237.5), dbSNP rs2536706772, ClinGen allele CA2580079063.